The following is an entry in ClinVar:

ClinVar aggregate classification (germline): Uncertain significance. Review status: criteria provided, multiple submitters, no conflicts (2 of 4 stars). 2 submissions from 2 submitters: Uncertain significance (2). Last evaluated 2026-02-03.

gnomAD v4.1: 3 of 1,543,528 alleles (0.00019%); no homozygotes.

Submissions (2):

Labcorp Genetics (formerly Invitae), Labcorp
Classification: Uncertain significance. Last evaluated: 2026-02-03. Review status: criteria provided, single submitter. Criteria: Invitae Variant Classification Sherloc (09022015). Collection method: clinical testing. Allele origin: germline.
Comment: This sequence change replaces isoleucine, which is neutral and non-polar, with serine, which is neutral and polar, at codon 441 of the RASA2 protein (p.Ile441Ser). This variant is not present in population databases (gnomAD no frequency). This variant has not been reported in the literature in individuals affected with RASA2-related conditions. ClinVar contains an entry for this variant (Variation ID: 3312845). Invitae Evidence Modeling of protein sequence and biophysical properties (such as structural, functional, and spatial information, amino acid conservation, physicochemical variation, residue mobility, and thermodynamic stability) indicates that this missense variant is not expected to disrupt RASA2 protein function with a negative predictive value of 80%. In summary, the available evidence is currently insufficient to determine the role of this variant in disease. Therefore, it has been classified as a Variant of Uncertain Significance.

Ambry Genetics
Classification: Uncertain significance. Last evaluated: 2024-03-29. Review status: criteria provided, single submitter. Criteria: Ambry Variant Classification Scheme 2023. Collection method: clinical testing. Allele origin: germline.

NM_006506.5(RASA2):c.1322T>G (p.Ile441Ser)

Gene: RASA2 (RAS p21 protein activator 2; plus strand). Cytogenetic location: 3q23.
Variant type: single nucleotide variant.
Coding change: c.1322T>G on transcript NM_006506.5 (MANE Select); coding-DNA position 1322, T replaced by G.
Protein change: p.Ile441Ser; replaces isoleucine 441 with serine.
Molecular consequence: missense variant.
Genome position (GRCh38, 1-based): chr3:141,573,184, T>G. VCF-style: chr3-141573184-T-G. GRCh37 (hg19) VCF-style: chr3-141292026-T-G.
Other names: c.1322T>G, p.Ile441Ser (NM_001303245.3, NM_001303246.3); short protein forms I441S.
Identifiers: ClinVar variation 3312845 (VCV003312845.3).
Genomic context (GRCh38, chr3:141,573,184, plus strand): 5'-TAACTGAAAAATTTATTTTTCAGATATGTGACTCCTCAAAATCCTGTGAAATCGATCCTA[T>G]TAAATTGAAAGAGGGAGATAATGTAGAAAATAATAAGGTAAGTCCTTGTTATATTATTTA-3'
Protein context (NP_006497.2, residues 431-451): DSSKSCEIDP[Ile441Ser]KLKEGDNVEN